The following is an entry in ClinVar:

ClinVar aggregate classification (germline): Uncertain significance (1 of 4 stars; one submission).

Submission:

GeneDx
Classification: Uncertain significance. Last evaluated: 2024-07-30. Review status: criteria provided, single submitter. Criteria: GeneDx Variant Classification Process June 2021. Collection method: clinical testing. Allele origin: germline. Affected: yes.
Comment: Has not been previously published as pathogenic or benign to our knowledge; Not observed at significant frequency in large population cohorts (gnomAD); In silico analysis indicates that this missense variant does not alter protein structure/function

NM_001134363.3(RBM20):c.866G>A (p.Gly289Asp)

Gene: RBM20 (RNA binding motif protein 20; plus strand). Cytogenetic location: 10q25.2.
Variant type: single nucleotide variant.
Coding change: c.866G>A on transcript NM_001134363.3 (MANE Select); coding-DNA position 866, G replaced by A.
Protein change: p.Gly289Asp; replaces glycine 289 with aspartic acid.
Molecular consequence: missense variant.
Genome position (GRCh38, 1-based): chr10:110,781,475, G>A. VCF-style: chr10-110781475-G-A. GRCh37 (hg19) VCF-style: chr10-112541233-G-A.
Other names: short protein forms G289D.
Identifiers: ClinVar variation 3602420 (VCV003602420.1).